The following is an entry in ClinVar:

NM_001040167.2(LFNG):c.716G>A (p.Arg239Gln)

Gene: LFNG (LFNG O-fucosylpeptide 3-beta-N-acetylglucosaminyltransferase; plus strand). Cytogenetic location: 7p22.3.
Variant type: single nucleotide variant.
Coding change: c.716G>A on transcript NM_001040167.2 (MANE Select); coding-DNA position 716, G replaced by A.
Protein change: p.Arg239Gln; replaces arginine 239 with glutamine.
Molecular consequence: missense variant.
Genome position (GRCh38, 1-based): chr7:2,525,548, G>A. VCF-style: chr7-2525548-G-A. GRCh37 (hg19) VCF-style: chr7-2565182-G-A.
Other names: c.716G>A, p.Arg239Gln (NM_001040168.2); c.503G>A, p.Arg168Gln (NM_001166355.2); c.329G>A, p.Arg110Gln (NM_002304.3); short protein forms R110Q, R168Q, R239Q.
Identifiers: ClinVar variation 2900501 (VCV002900501.3), dbSNP rs1254351218, ClinGen allele CA366618204.
Genomic context (GRCh38, chr7:2,525,548, plus strand): 5'-ACACGCGGGACGTCTACGTCGGCAAGCCCAGCCTGGACAGGCCCATCCAGGCCATGGAGC[G>A]GGTCAGCGAGAACAAGGTGGTGAGTGCCTGCCCCTCCCAGTCCCCCACGCCCACGCGGAG-3'
Protein context (NP_001035257.1, residues 229-249): SLDRPIQAME[Arg239Gln]VSENKVRPVH

ClinVar aggregate classification (germline): Uncertain significance (1 of 4 stars; one submission).

Conditions:
Spondylocostal dysostosis 3, autosomal recessive (SCDO3). Also called: LFNG-Related Spondylocostal Dysostosis, Autosomal Recessive. Identifiers: Orphanet 2311, MedGen C1853296, MONDO:0012349, OMIM 609813.

Allele frequency attached by ClinVar (database versions not stated): gnomAD 0.00001; TOPMed 0.00001.
gnomAD v4.1: 11 of 1,612,248 alleles (0.00068%); highest among the groups gnomAD compares: East Asian, 0.0089%; no homozygotes.

Submission:

Labcorp Genetics (formerly Invitae), Labcorp
Classification: Uncertain significance for Spondylocostal dysostosis 3, autosomal recessive. Last evaluated: 2023-10-22. Review status: criteria provided, single submitter. Criteria: Invitae Variant Classification Sherloc (09022015). Collection method: clinical testing. Allele origin: germline.
Comment: This sequence change replaces arginine, which is basic and polar, with glutamine, which is neutral and polar, at codon 239 of the LFNG protein (p.Arg239Gln). This variant is present in population databases (no rsID available, gnomAD 0.0008%). This variant has not been reported in the literature in individuals affected with LFNG-related conditions. Advanced modeling of protein sequence and biophysical properties (such as structural, functional, and spatial information, amino acid conservation, physicochemical variation, residue mobility, and thermodynamic stability) performed at Invitae indicates that this missense variant is not expected to disrupt LFNG protein function. Algorithms developed to predict the effect of sequence changes on RNA splicing suggest that this variant may create or strengthen a splice site. In summary, the available evidence is currently insufficient to determine the role of this variant in disease. Therefore, it has been classified as a Variant of Uncertain Significance.